The following is an entry in ClinVar:

ClinVar aggregate classification (germline): Benign/Likely benign. Review status: criteria provided, multiple submitters, no conflicts (2 of 4 stars). 9 submissions from 9 submitters: Benign (3); Likely benign (4). 2 of the submissions do not count toward it. Last evaluated 2026-02-01.

Conditions:
Autosomal recessive axonal neuropathy with neuromyotonia (NMAN). Also called: Gamstorp-Wohlfart syndrome; MYOKYMIA, MYOTONIA, AND MUSCLE WASTING; Neuromyotonia and axonal neuropathy, autosomal recessive. Identifiers: Orphanet 324442, MedGen C5700127, MONDO:0007646, OMIM 137200.
Inborn genetic diseases. Identifiers: MedGen C0950123, MeSH D030342.

Allele frequency attached by ClinVar (database versions not stated): ExAC 0.00196; gnomAD exomes 0.00203; gnomAD 0.00378 and 0.00394; TOPMed 0.00425; ESP Exome Variant Server 0.00438; 1000 Genomes Project 30x 0.00484; 1000 Genomes Project 0.00499.
gnomAD v4.1: 2,386 of 1,597,166 alleles (0.15%); highest among the groups gnomAD compares: Middle Eastern, 1.2%; 11 homozygotes.

Submissions (9):

CeGaT Center for Human Genetics Tuebingen
Classification: Likely benign. Last evaluated: 2026-02-01. Review status: criteria provided, single submitter. Criteria: CeGaT Center For Human Genetics Tuebingen Variant Classification Criteria Version 2. Collection method: clinical testing. Allele origin: germline. Affected: yes. Observed: 4 variant alleles.
Comment: HINT1: BP4, BP7

Labcorp Genetics (formerly Invitae), Labcorp
Classification: Benign for Autosomal recessive axonal neuropathy with neuromyotonia. Last evaluated: 2026-02-01. Review status: criteria provided, single submitter. Criteria: Invitae Variant Classification Sherloc (09022015). Collection method: clinical testing. Allele origin: germline.

Mayo Clinic Laboratories, Mayo Clinic
Classification: Benign. Last evaluated: 2025-07-29. Review status: criteria provided, single submitter. Criteria: ACMG Guidelines, 2015. Collection method: clinical testing. Allele origin: germline. Observed: 7 variant alleles.
Comment: BA1

Blueprint Genetics
Classification: Likely benign. Last evaluated: 2024-11-25. Review status: criteria provided, single submitter. Criteria: ACMG Guidelines, 2015. Collection method: clinical testing. Allele origin: germline.

Ambry Genetics
Classification: Likely benign for Inborn genetic diseases. Last evaluated: 2019-07-11. Review status: criteria provided, single submitter. Criteria: Ambry Variant Classification Scheme 2023. Collection method: clinical testing. Allele origin: germline.

GeneDx
Classification: Benign. Last evaluated: 2017-01-24. Review status: criteria provided, single submitter. Criteria: GeneDx Variant Classification (06012015). Collection method: clinical testing. Allele origin: germline. Affected: yes.
Comment: This variant is considered likely benign or benign based on one or more of the following criteria: it is a conservative change, it occurs at a poorly conserved position in the protein, it is predicted to be benign by multiple in silico algorithms, and/or has population frequency not consistent with disease.

Breakthrough Genomics
Classification: Likely benign. Review status: criteria provided, single submitter. Criteria: ACMG Guidelines, 2015. Collection method: not provided. Allele origin: germline. Inheritance: Autosomal recessive inheritance. Affected: yes.

Clinical Genetics, Academic Medical Center
Classification: Benign. Review status: no assertion criteria provided. Collection method: clinical testing. Allele origin: germline. Affected: yes. Study: VKGL Data-share Consensus. Not counted in ClinVar's aggregate classification.

Genome Diagnostics Laboratory, University Medical Center Utrecht
Classification: Likely benign. Review status: no assertion criteria provided. Collection method: clinical testing. Allele origin: germline. Affected: yes. Study: VKGL Data-share Consensus. Not counted in ClinVar's aggregate classification.

NM_005340.7(HINT1):c.117T>C (p.Leu39=)

Gene: HINT1 (histidine triad nucleotide binding protein 1; minus strand). Cytogenetic location: 5q23.3.
Variant type: single nucleotide variant.
Coding change: c.117T>C on transcript NM_005340.7 (MANE Select); coding-DNA position 117, T replaced by C.
Protein change: p.Leu39=; no amino-acid change (leucine 39 retained).
Molecular consequence: synonymous variant. On other transcripts: non-coding transcript variant (5).
Genome position (GRCh38, 1-based): chr5:131,162,671, A>G on the plus strand (T>C on the coding strand, the complement: HINT1 is on the minus strand). VCF-style: chr5-131162671-A-G. GRCh37 (hg19) VCF-style: chr5-130498364-A-G.
Other names: p.Leu39=.
Identifiers: ClinVar variation 477392 (VCV000477392.55), dbSNP rs78949626, ClinGen allele CA3398620.